The following is an entry in ClinVar:

ClinVar aggregate classification (germline): Uncertain significance. Review status: criteria provided, multiple submitters, no conflicts (2 of 4 stars). 2 submissions from 2 submitters: Uncertain significance (2). Last evaluated 2023-12-17.

Conditions:
Cardiovascular phenotype. Identifiers: MedGen CN230736.
Long QT syndrome (LQTS). Identifiers: MedGen C0023976, MeSH D008133, MONDO:0002442. Disease mechanism: loss of function. Inheritance: Various modes of inheritance.

Allele frequency attached by ClinVar (database versions not stated): gnomAD 0.00002; gnomAD exomes 0.00003; TOPMed 0.00003; ESP Exome Variant Server 0.00008.
gnomAD v4.1: 52 of 1,604,402 alleles (0.0032%); highest among the groups gnomAD compares: Non-Finnish European, 0.0042%; no homozygotes.

Submissions (2):

Labcorp Genetics (formerly Invitae), Labcorp
Classification: Uncertain significance for Long QT syndrome. Last evaluated: 2023-12-17. Review status: criteria provided, single submitter. Criteria: Invitae Variant Classification Sherloc (09022015). Collection method: clinical testing. Allele origin: germline.
Comment: This sequence change replaces serine, which is neutral and polar, with threonine, which is neutral and polar, at codon 708 of the AKAP9 protein (p.Ser708Thr). This variant is present in population databases (rs377735460, gnomAD 0.0009%). This variant has not been reported in the literature in individuals affected with AKAP9-related conditions. ClinVar contains an entry for this variant (Variation ID: 1786267). An algorithm developed to predict the effect of missense changes on protein structure and function (PolyPhen-2) suggests that this variant is likely to be disruptive. In summary, the available evidence is currently insufficient to determine the role of this variant in disease. Therefore, it has been classified as a Variant of Uncertain Significance.

Ambry Genetics
Classification: Uncertain significance for Cardiovascular phenotype. Last evaluated: 2019-12-06. Review status: criteria provided, single submitter. Criteria: Ambry Variant Classification Scheme 2023. Collection method: clinical testing. Allele origin: germline.
Comment: The p.S708T variant (also known as c.2122T>A), located in coding exon 8 of the AKAP9 gene, results from a T to A substitution at nucleotide position 2122. The serine at codon 708 is replaced by threonine, an amino acid with similar properties. This amino acid position is not well conserved in available vertebrate species, and threonine is the reference amino acid in other vertebrate species. In addition, this alteration is predicted to be tolerated by in silico analysis. Since supporting evidence is limited at this time, the clinical significance of this alteration remains unclear.

NM_005751.5(AKAP9):c.2122T>A (p.Ser708Thr)

Gene: AKAP9 (A-kinase anchoring protein 9; plus strand). Cytogenetic location: 7q21.2.
Variant type: single nucleotide variant.
Coding change: c.2122T>A on transcript NM_005751.5 (MANE Select); coding-DNA position 2122, T replaced by A.
Protein change: p.Ser708Thr; replaces serine 708 with threonine.
Molecular consequence: missense variant.
Genome position (GRCh38, 1-based): chr7:92,002,039, T>A. VCF-style: chr7-92002039-T-A. GRCh37 (hg19) VCF-style: chr7-91631353-T-A.
Other names: c.2122T>A, p.Ser708Thr (NM_147185.3); short protein forms S708T.
Identifiers: ClinVar variation 1786267 (VCV001786267.5), dbSNP rs377735460, ClinGen allele CA161907601.